The following is an entry in ClinVar:

NM_001164508.2(NEB):c.23449dup (p.Leu7817fs)

Genes: NEB (nebulin; minus strand), RIF1 (replication timing regulatory factor 1; plus strand). Cytogenetic location: 2q23.3.
Variant type: Duplication.
Coding change: c.23449dup on transcript NM_001164508.2 (MANE Select); coding-DNA position 23449, one base duplicated (C; older notation c.23449dupC).
Protein change: p.Leu7817fs; shifts the reading frame from leucine 7817.
Molecular consequence: frameshift variant.
Genome position (GRCh38, 1-based): chr2:151,508,007, G duplicated on the plus strand (C on the coding strand, the reverse complement: NEB is on the minus strand); the first of 2 consecutive G bases (chr2:151,508,007-151,508,008); duplicating either gives the same sequence. VCF-style (leftmost placement, unchanged base first): chr2-151508006-A-AG. GRCh37 (hg19) VCF-style: chr2-152364520-A-AG.
Other names: c.23449dup, p.Leu7817fs (NM_001164507.2); c.23554dup, p.Leu7852fs (NM_001271208.2); c.18346dup, p.Leu6116fs (NM_004543.5); short protein forms L7817fs, L7852fs, L6116fs.
Identifiers: ClinVar variation 2840420 (VCV002840420.3), dbSNP rs2552035444, ClinGen allele CA2739271306.

ClinVar aggregate classification (germline): Pathogenic (1 of 4 stars; one submission).

Conditions:
Nemaline myopathy 2 (NEM2). Also called: Nemaline myopathy 2, autosomal recessive. Identifiers: MedGen C1850569, MONDO:0009725, OMIM 256030.

Submission:

Labcorp Genetics (formerly Invitae), Labcorp
Classification: Pathogenic for Nemaline myopathy 2. Last evaluated: 2023-02-24. Review status: criteria provided, single submitter. Criteria: Invitae Variant Classification Sherloc (09022015). Collection method: clinical testing. Allele origin: germline.
Comment: For these reasons, this variant has been classified as Pathogenic. This variant has not been reported in the literature in individuals affected with NEB-related conditions. This variant is not present in population databases (gnomAD no frequency). This sequence change creates a premature translational stop signal (p.Leu7852Profs*7) in the NEB gene. It is expected to result in an absent or disrupted protein product. Loss-of-function variants in NEB are known to be pathogenic (PMID: 25205138).

Literature cited by the submitters: PubMed 25205138.